The following is an entry in ClinVar:

NM_024642.5(GALNT12):c.184G>C (p.Glu62Gln)

Gene: GALNT12 (polypeptide N-acetylgalactosaminyltransferase 12; plus strand). Cytogenetic location: 9q22.33.
Variant type: single nucleotide variant.
Coding change: c.184G>C on transcript NM_024642.5 (MANE Select); coding-DNA position 184, G replaced by C.
Protein change: p.Glu62Gln; replaces glutamic acid 62 with glutamine.
Molecular consequence: missense variant.
Genome position (GRCh38, 1-based): chr9:98,807,882, G>C. VCF-style: chr9-98807882-G-C. GRCh37 (hg19) VCF-style: chr9-101570164-G-C.
Other names: short protein forms E62Q.
Identifiers: ClinVar variation 3852676 (VCV003852676.1).

ClinVar aggregate classification (germline): Uncertain significance (1 of 4 stars; one submission).

gnomAD v4.1: 1 of 1,079,142 alleles (0.000093%); highest among the groups gnomAD compares: Non-Finnish European, 0.00011%; no homozygotes.

Submission:

Ambry Genetics
Classification: Uncertain significance. Last evaluated: 2025-02-20. Review status: criteria provided, single submitter. Criteria: Ambry Variant Classification Scheme 2023. Collection method: clinical testing. Allele origin: germline.
Comment: The p.E62Q variant (also known as c.184G>C), located in coding exon 1 of the GALNT12 gene, results from a G to C substitution at nucleotide position 184. The glutamic acid at codon 62 is replaced by glutamine, an amino acid with highly similar properties. This amino acid position is conserved. In addition, this alteration is predicted to be tolerated by in silico analysis. Based on the available evidence, the clinical significance of this variant remains unclear.